The following is an entry in ClinVar:

ClinVar aggregate classification (germline): Pathogenic (1 of 4 stars; one submission).

Conditions:
Hereditary cancer-predisposing syndrome. Also called: Neoplastic Syndromes, Hereditary; Tumor predisposition; Hereditary Cancer Syndrome; Hereditary neoplastic syndrome. Identifiers: Orphanet 140162, MedGen C0027672, MeSH D009386, MONDO:0015356.

Submission:

Ambry Genetics
Classification: Pathogenic for Hereditary cancer-predisposing syndrome. Last evaluated: 2019-05-17. Review status: criteria provided, single submitter. Criteria: Ambry Variant Classification Scheme 2023. Collection method: clinical testing. Allele origin: germline.
Comment: The p.S547* pathogenic mutation (also known as c.1640C>G), located in coding exon 11 of the NBN gene, results from a C to G substitution at nucleotide position 1640. This changes the amino acid from a serine to a stop codon within coding exon 11. This alteration is expected to result in loss of function by premature protein truncation or nonsense-mediated mRNA decay. As such, this alteration is interpreted as a disease-causing mutation.

NM_002485.5(NBN):c.1640C>G (p.Ser547Ter)

Gene: NBN (nibrin; minus strand). Cytogenetic location: 8q21.3.
Variant type: single nucleotide variant.
Coding change: c.1640C>G on transcript NM_002485.5 (MANE Select); coding-DNA position 1640, C replaced by G.
Protein change: p.Ser547Ter; replaces serine 547 with a stop codon.
Molecular consequence: nonsense.
Genome position (GRCh38, 1-based): chr8:89,953,449, G>C on the plus strand (C>G on the coding strand, the complement: NBN is on the minus strand). VCF-style: chr8-89953449-G-C. GRCh37 (hg19) VCF-style: chr8-90965677-G-C.
Other names: c.1394C>G, p.Ser465Ter (NM_001024688.3); short protein forms S465*, S547*.
Identifiers: ClinVar variation 1777029 (VCV001777029.2), dbSNP rs1418547527, ClinGen allele CA371655423.